The following is an entry in ClinVar:

ClinVar aggregate classification (germline): Uncertain significance (1 of 4 stars; one submission).

Conditions:
Leukodystrophy, hypomyelinating, 7, with or without oligodontia and/or hypogonadotropic hypogonadism (HLD7). Also called: LEUKOENCEPHALOPATHY, HYPOMYELINATING, WITH ATAXIA AND DELAYED DENTITION; ATAXIA, DELAYED DENTITION, AND HYPOMYELINATION; LEUKODYSTROPHY, HYPOMYELINATING, 7, WITH OLIGODONTIA; LEUKODYSTROPHY, HYPOMYELINATING, 7, WITH OLIGODONTIA AND HYPOGONADOTROPIC HYPOGONADISM; LEUKODYSTROPHY, HYPOMYELINATING, 7, WITHOUT OLIGODONTIA OR HYPOGONADOTROPIC HYPOGONADISM; Ataxia, Delayed Dentition and Hypomyelination (ADDH). Identifiers: Orphanet 137639, Orphanet 447893, Orphanet 447896, Orphanet 77295, Orphanet 88637, MedGen CN034185, MONDO:0011897, OMIM 607694.

Allele frequency attached by ClinVar (database versions not stated): ExAC 0.00001.

Submission:

Broad Center for Mendelian Genomics, Broad Institute of MIT and Harvard
Classification: Uncertain significance for Leukodystrophy, hypomyelinating, 7, with or without oligodontia and/or hypogonadotropic hypogonadism. Last evaluated: 2024-01-24. Review status: criteria provided, single submitter. Criteria: ACMG Guidelines, 2015. Collection method: curation. Allele origin: germline. Inheritance: Autosomal recessive inheritance.
Comment: The p.Arg344Leu variant in POLR3A has been reported in 1 individual, in the compound heterozygous state, with POLR3A-related disorders (PMID: 30564185, 34296356), and has been identified in 0.0009% (1/113738) of European (non-Finnish) chromosomes by the Genome Aggregation Database (gnomAD; dbSNP ID: rs749806646). Although this variant has been seen in the general population in a heterozygous state, its frequency is low enough to be consistent with a recessive carrier frequency. Computational prediction tools and conservation analyses do not provide strong support for or against an impact to the protein. In summary, the clinical significance of the p.Arg344Leu variant is uncertain. ACMG/AMP Criteria applied: PM2_supporting, PM3_supporting (Richards 2015).

NM_007055.4(POLR3A):c.1031G>T (p.Arg344Leu)

Gene: POLR3A (RNA polymerase III subunit A; minus strand). Cytogenetic location: 10q22.3.
Variant type: single nucleotide variant.
Coding change: c.1031G>T on transcript NM_007055.4 (MANE Select); coding-DNA position 1031, G replaced by T.
Protein change: p.Arg344Leu; replaces arginine 344 with leucine.
Molecular consequence: missense variant.
Genome position (GRCh38, 1-based): chr10:78,021,877, C>A on the plus strand (G>T on the coding strand, the complement: POLR3A is on the minus strand). VCF-style: chr10-78021877-C-A. GRCh37 (hg19) VCF-style: chr10-79781635-C-A.
Other names: NM_007055.4:c.1031G>T; short protein forms R344L.
Identifiers: ClinVar variation 2687894 (VCV002687894.1), dbSNP rs749806646, ClinGen allele CA5571568.
Genomic context (GRCh38, chr10:78,021,877, plus strand): 5'-AAAGAGAGTGGGCTGGCTTCTGCACATCTTGTGGGAAACCTACCCTGTTTTCCCTTCAGG[C>A]GTTGGACGAAGCCTCTGGTCCACTTCTTGGGTGCCATGTTGAGGGGAATGCCCGAGAGCT-3'
Protein context (NP_008986.2, residues 334-354): PKKWTRGFVQ[Arg344Leu]LKGKQGRFRG